The following is an entry in ClinVar:

NM_000169.3(GLA):c.1163T>C (p.Leu388Pro)

Genes: GLA (galactosidase alpha; minus strand), RPL36A-HNRNPH2 (RPL36A-HNRNPH2 readthrough; plus strand). Cytogenetic location: Xq22.1.
Variant type: single nucleotide variant.
Coding change: c.1163T>C on transcript NM_000169.3 (MANE Select); coding-DNA position 1163, T replaced by C.
Protein change: p.Leu388Pro; replaces leucine 388 with proline.
Molecular consequence: missense variant. On other transcripts: non-coding transcript variant (3), intron variant (2).
Genome position (GRCh38, 1-based): chrX:101,397,936, A>G on the plus strand (T>C on the coding strand, the complement: GLA is on the minus strand). VCF-style: chrX-101397936-A-G. GRCh37 (hg19) VCF-style: chrX-100652924-A-G.
Other names: c.1286T>C, p.Leu429Pro (NM_001406747.1); c.300+2479A>G (NM_001199973.2); c.177+6114A>G (NM_001199974.2); short protein forms L388P, L429P.
Identifiers: ClinVar variation 4974857 (VCV004974857.1).

ClinVar aggregate classification (germline): Uncertain significance (1 of 4 stars; one submission).

Conditions:
Fabry disease. Also called: Fabry's disease; ALPHA-GALACTOSIDASE A DEFICIENCY; ANDERSON-FABRY DISEASE; CERAMIDE TRIHEXOSIDASE DEFICIENCY; GLA DEFICIENCY; HEREDITARY DYSTOPIC LIPIDOSIS. Identifiers: Orphanet 324, MedGen C0002986, MONDO:0010526, OMIM 301500, HP:0001071. Disease mechanism: Fabry disease is due to inactivating mutations in the X-linked GLA gene resulting in deficiency of the enzyme Alpha Galactosidase-A., loss of function.

Submission:

Genomenon, Inc
Classification: Uncertain significance for Fabry disease. Last evaluated: 2026-09-08. Review status: criteria provided, single submitter. Criteria: Genomenon Sequence Variant Interpretation Standards - Updated. Collection method: curation. Allele origin: germline. Affected: yes.
Comment: GLA p.Leu388Pro (c.1163T>C) is a missense variant that changes the amino acid at codon 388 from Leucine to Proline. This variant has been observed in at least one proband with clinical features consistent with Fabry disease (PMID:39980015). It is absent or not present at a significant frequency in gnomAD. In silico models predict that this variant is possibly or probably damaging. In conclusion, we classify GLA p.Leu388Pro (c.1163T>C) as a variant of uncertain significance.

Literature cited by the submitters: PubMed 39980015.